The following is an entry in ClinVar:

ClinVar aggregate classification (germline): Uncertain significance (1 of 4 stars; one submission).

Conditions:
RASopathy. Also called: Noonan spectrum disorder; rasopathies. Identifiers: Orphanet 536391, MedGen C5555857, MONDO:0021060.

Submission:

Labcorp Genetics (formerly Invitae), Labcorp
Classification: Uncertain significance for RASopathy. Last evaluated: 2025-10-02. Review status: criteria provided, single submitter. Criteria: Invitae Variant Classification Sherloc (09022015). Collection method: clinical testing. Allele origin: germline.
Comment: This sequence change creates a premature translational stop signal (p.Arg218*) in the RAF1 gene. It is expected to result in an absent or disrupted protein product. However, the current clinical and genetic evidence is not sufficient to establish whether loss-of-function variants in RAF1 cause disease. This variant is not present in population databases (gnomAD no frequency). This variant has not been reported in the literature in individuals affected with RAF1-related conditions. Algorithms developed to predict the effect of sequence changes on RNA splicing suggest that this variant may disrupt the consensus splice site. In summary, the available evidence is currently insufficient to determine the role of this variant in disease. Therefore, it has been classified as a Variant of Uncertain Significance.

NM_002880.4(RAF1):c.652C>T (p.Arg218Ter)

Gene: RAF1 (Raf-1 proto-oncogene, serine/threonine kinase; minus strand). Cytogenetic location: 3p25.2.
Variant type: single nucleotide variant.
Coding change: c.652C>T on transcript NM_002880.4 (MANE Select); coding-DNA position 652, C replaced by T.
Protein change: p.Arg218Ter; replaces arginine 218 with a stop codon.
Molecular consequence: nonsense. On other transcripts: non-coding transcript variant (3), intron variant (2).
Genome position (GRCh38, 1-based): chr3:12,606,229, G>A on the plus strand (C>T on the coding strand, the complement: RAF1 is on the minus strand). VCF-style: chr3-12606229-G-A. GRCh37 (hg19) VCF-style: chr3-12647728-G-A.
Other names: c.652C>T, p.Arg218Ter (NM_001354689.3, NM_001354690.3); c.409C>T, p.Arg137Ter (NM_001354691.3, NM_001354692.3, NM_001354694.3); c.339-1940C>T (NM_001354695.3); c.582-1940C>T (NM_001354693.3); short protein forms R137*, R218*.
Identifiers: ClinVar variation 4710310 (VCV004710310.1).
Genomic context (GRCh38, chr3:12,606,229, plus strand): 5'-TTCTAAAAGAAAAGCTATAGGTAAAAAATTACCTAACAGGCATCCTGGAAACAGACTCTC[G>A]CATACGACGCATAGTCAAAGAAGGTAGTGCTGGGACTCCACTATCACCAATAGTGGAATT-3'